The following is an entry in ClinVar:

ClinVar aggregate classification (germline): Pathogenic (1 of 4 stars; one submission).

Conditions:
CFTR-related disorder (CFTR-RD). Also called: CFTR-related condition; CFTR-related disorders. Identifiers: MedGen C5924204, MONDO:7770004.
Cystic fibrosis (CF). Also called: MUCOVISCIDOSIS. Identifiers: Orphanet 586, MedGen C0010674, MONDO:0009061, OMIM 219700. Disease mechanism: loss of function.

Submission:

CFTR-France
Classification: Pathogenic for cystic fibrosis; CFTR-related disorders. Last evaluated: 2015-07-30. Review status: criteria provided, single submitter. Criteria: Claustres M et al. (Hum Mutat 2017). Collection method: curation. Allele origin: germline. Affected: yes.
Comment: when the variant is in trans with another CF-causing variation, can either result in CF or in a CFTR-RD

NM_000492.4(CFTR):c.1471T>C (p.Cys491Arg)

Genes: CFTR (CF transmembrane conductance regulator; plus strand), CFTR-AS1 (CFTR antisense RNA 1; minus strand). Cytogenetic location: 7q31.2.
Variant type: single nucleotide variant.
Coding change: c.1471T>C on transcript NM_000492.4 (MANE Select); coding-DNA position 1471, T replaced by C.
Protein change: p.Cys491Arg; replaces cysteine 491 with arginine.
Molecular consequence: missense variant.
Genome position (GRCh38, 1-based): chr7:117,559,542, T>C. VCF-style: chr7-117559542-T-C. GRCh37 (hg19) VCF-style: chr7-117199596-T-C.
Other names: short protein forms C491R.
Identifiers: ClinVar variation 53261 (VCV000053261.1), dbSNP rs397508213, ClinGen allele CA326494.